The following continues an entry in ClinVar:

NM_031448.6(C19orf12):c.-2C>T

Gene: C19orf12. ClinVar aggregate classification (germline): Pathogenic/Likely pathogenic. Pathogenic (9); Likely pathogenic (3).

Submissions 12 to 16 of 16:

GeneDx
Classification: Pathogenic. Last evaluated: 2015-04-30. Review status: criteria provided, single submitter. Criteria: GeneDx Variant Classification (06012015). Collection method: clinical testing. Allele origin: germline. Affected: yes.
Comment: The T11M variant in the C19orf12 gene has been reported in the homozygous or compound heterozygousstate in multiple individuals with neurodegeneration with brain iron accumulation (Hartig et al., 2011;Schulte et al., 2013). Several individuals with a homozygous T11M variant exhibited early adulthood onsetof dystonia, spasticity, progressive dementia, and psychiatric disorders, including one individual with aParkinson-like phenotype (Tschentscher et al., 2015). The T11M substitution was not observed inapproximately 6100 individuals of European and African American ancestry in the NHLBI ExomeSequencing Project, indicating it is not a common benign variant in these populations. The T11M variant isa non-conservative amino acid substitution, which is likely to impact secondary protein structure as theseresidues differ in polarity, charge, size and/or other properties. Another missense variant in a nearbyresidue (D18G) has also been reported in the Human Gene Mutation Database in association withneurodegeneration with brain iron accumulation (Stenson et al., 2014), supporting the functional importanceof this region of the protein. We interpret T11M as a pathogenic variant.

OMIM
Classification: Pathogenic for NEURODEGENERATION WITH BRAIN IRON ACCUMULATION 4, AUTOSOMAL RECESSIVE. Last evaluated: 2013-10-01. Review status: no assertion criteria provided. Collection method: literature only. Allele origin: germline. Not counted in ClinVar's aggregate classification.

GeneReviews
No classification provided. Condition: Neurodegeneration with brain iron accumulation 4. Review status: no classification provided. Collection method: literature only. Allele origin: germline. Not counted in ClinVar's aggregate classification.
Comment: Founder variant in Turkish population (Olgiati et al 2017); Mean age of onset is 25 yrs in persons homozygous for this variant (Hartig et al 2013).

NIHR Bioresource Rare Diseases, University of Cambridge
Classification: Pathogenic for Abnormality of iron homeostasis. Review status: no assertion criteria provided. Collection method: research. Allele origin: unknown. Affected: yes. Observed: 1 variant allele. Not counted in ClinVar's aggregate classification.

Next Generation Genetic Polyclinic
Classification: Pathogenic for Neurodegeneration with brain iron accumulation 4. Review status: no assertion criteria provided. Collection method: clinical testing. Allele origin: inherited. Affected: yes. Not counted in ClinVar's aggregate classification.

Literature cited by the submitters: PubMed 21981780 (cited by 5 submitters); PubMed 23278385 (cited by 6 submitters); PubMed 23436634 (cited by 3 submitters); PubMed 25592411 (cited by 5 submitters); PubMed 33607528 (cited by Women's Health and Genetics/Laboratory Corporation of America, LabCorp); PubMed 27801611 (cited by Laboratory for Molecular Medicine, Mass General Brigham Personalized Medicine); PubMed 28347615 (cited by 3 submitters); PubMed 31970231 (cited by Laboratory for Molecular Medicine, Mass General Brigham Personalized Medicine); PubMed 22584950 (cited by SIB Swiss Institute of Bioinformatics and Illumina Laboratory Services, Illumina); PubMed 23166001 (cited by SIB Swiss Institute of Bioinformatics and Illumina Laboratory Services, Illumina); PubMed 24209434 (cited by GeneReviews); PubMed 32581362 (cited by NIHR Bioresource Rare Diseases, University of Cambridge).